The following is an entry in ClinVar:

ClinVar aggregate classification (germline): Uncertain significance (1 of 4 stars; one submission).

Conditions:
Primary ciliary dyskinesia. Also called: Ciliary dyskinesia. Identifiers: Orphanet 244, MedGen C0008780, MONDO:0016575, HP:0012265.

Submission:

Labcorp Genetics (formerly Invitae), Labcorp
Classification: Uncertain significance for Primary ciliary dyskinesia. Last evaluated: 2022-11-22. Review status: criteria provided, single submitter. Criteria: Invitae Variant Classification Sherloc (09022015). Collection method: clinical testing. Allele origin: germline.
Comment: This variant has not been reported in the literature in individuals affected with DNAAF1-related conditions. This variant is not present in population databases (gnomAD no frequency). This sequence change replaces glycine, which is neutral and non-polar, with glutamic acid, which is acidic and polar, at codon 492 of the DNAAF1 protein (p.Gly492Glu). ClinVar contains an entry for this variant (Variation ID: 1489782). In summary, the available evidence is currently insufficient to determine the role of this variant in disease. Therefore, it has been classified as a Variant of Uncertain Significance. Algorithms developed to predict the effect of missense changes on protein structure and function are either unavailable or do not agree on the potential impact of this missense change (SIFT: "Tolerated"; PolyPhen-2: "Possibly Damaging"; Align-GVGD: "Class C0").

NM_178452.6(DNAAF1):c.1475G>A (p.Gly492Glu)

Gene: DNAAF1 (dynein axonemal assembly factor 1; plus strand). Cytogenetic location: 16q24.1.
Variant type: single nucleotide variant.
Coding change: c.1475G>A on transcript NM_178452.6 (MANE Select); coding-DNA position 1475, G replaced by A.
Protein change: p.Gly492Glu; replaces glycine 492 with glutamic acid.
Molecular consequence: missense variant.
Genome position (GRCh38, 1-based): chr16:84,170,303, G>A. VCF-style: chr16-84170303-G-A. GRCh37 (hg19) VCF-style: chr16-84203909-G-A.
Other names: c.767G>A, p.Gly256Glu (NM_001318756.1); short protein forms G492E, G256E.
Identifiers: ClinVar variation 1489782 (VCV001489782.6), dbSNP rs2151267135, ClinGen allele CA396948518.